The following is an entry in ClinVar:

ClinVar aggregate classification (germline): Likely pathogenic (1 of 4 stars; one submission).

Conditions:
PKD1-related disorder. Also called: PKD1-related condition.

Submission:

PreventionGenetics, part of Exact Sciences
Classification: Likely pathogenic for PKD1-related condition. Last evaluated: 2026-05-13. Review status: criteria provided, single submitter. Criteria: ACMG Guidelines, 2015. Collection method: clinical testing. Allele origin: germline.
Comment: The PKD1 c.211G>C variant is predicted to result in the amino acid substitution p.Ala71Pro. This variant has been reported in individuals with autosomal dominant polycystic kidney disease (ADPKD) (Table S1, Kimura et al. 2023. PubMed ID: 37509056; Supplemental Table 1, Xu et al. 2024. PubMed ID: 38527221). This variant has not been reported in a large population database (gnomAD), indicating this variant is rare. Taken together, this variant is interpreted as likely pathogenic.

NM_001009944.3(PKD1):c.211G>C (p.Ala71Pro)

Gene: PKD1 (polycystin 1, transient receptor potential channel interacting; minus strand). Cytogenetic location: 16p13.3.
Variant type: single nucleotide variant.
Coding change: c.211G>C on transcript NM_001009944.3 (MANE Select); coding-DNA position 211, G replaced by C.
Protein change: p.Ala71Pro; replaces alanine 71 with proline.
Molecular consequence: missense variant.
Genome position (GRCh38, 1-based): chr16:2,135,479, C>G on the plus strand (G>C on the coding strand, the complement: PKD1 is on the minus strand). VCF-style: chr16-2135479-C-G. GRCh37 (hg19) VCF-style: chr16-2185480-C-G.
Other names: c.211G>C, p.Ala71Pro (NM_000296.4); short protein forms A71P.
Identifiers: ClinVar variation 4987686 (VCV004987686.1).
Genomic context (GRCh38, chr16:2,135,479, plus strand): 5'-GCCCACGCCCGCCCGTCCCGCGGCCTCTCCCGGGTGCCGCTGGGCCCGCTACTCACAGCG[C>G]TGTGGCGTCCGCGGGGATGCGCAGCGCGGGACCGAGCGTCCGCAGCCCGCGGCCCGAGCA-3'
Protein context (NP_001009944.3, residues 61-81): PALRIPADAT[Ala71Pro]LDVSHNLLRA